The following is an entry in ClinVar:

NM_020964.3(EPG5):c.682C>G (p.Pro228Ala)

Gene: EPG5 (ectopic P-granules 5 autophagy tethering factor; minus strand). Cytogenetic location: 18q21.1.
Variant type: single nucleotide variant.
Coding change: c.682C>G on transcript NM_020964.3 (MANE Select); coding-DNA position 682, C replaced by G.
Protein change: p.Pro228Ala; replaces proline 228 with alanine.
Molecular consequence: missense variant.
Genome position (GRCh38, 1-based): chr18:45,954,720, G>C on the plus strand (C>G on the coding strand, the complement: EPG5 is on the minus strand). VCF-style: chr18-45954720-G-C. GRCh37 (hg19) VCF-style: chr18-43534686-G-C.
Other names: c.682C>G, p.Pro228Ala (NM_001410859.1, NM_001410858.1); short protein forms P228A.
Identifiers: ClinVar variation 3700066 (VCV003700066.2).
Genomic context (GRCh38, chr18:45,954,720, plus strand): 5'-ACGGGAGTTCTGGGTAGAGTCGCTCACTGCGAAGCAAGGGTTTCACTGCCACCAAAGCTG[G>C]TGCTTCTCCAGCAATTTCAGCTGGCAACTGGGGATACAGTTTCTTCACTCTAGGTGTCTG-3'
Protein context (NP_066015.2, residues 218-238): QLPAEIAGEA[Pro228Ala]ALVAVKPLLR

ClinVar aggregate classification (germline): Uncertain significance (1 of 4 stars; one submission).

Conditions:
Vici syndrome (VICIS). Identifiers: Orphanet 1493, MedGen C1855772, MONDO:0009452, OMIM 242840.

Submission:

Labcorp Genetics (formerly Invitae), Labcorp
Classification: Uncertain significance for Vici syndrome. Last evaluated: 2024-10-24. Review status: criteria provided, single submitter. Criteria: Invitae Variant Classification Sherloc (09022015). Collection method: clinical testing. Allele origin: germline.
Comment: This sequence change replaces proline, which is neutral and non-polar, with alanine, which is neutral and non-polar, at codon 228 of the EPG5 protein (p.Pro228Ala). This variant is not present in population databases (gnomAD no frequency). This variant has not been reported in the literature in individuals affected with EPG5-related conditions. Invitae Evidence Modeling of protein sequence and biophysical properties (such as structural, functional, and spatial information, amino acid conservation, physicochemical variation, residue mobility, and thermodynamic stability) indicates that this missense variant is not expected to disrupt EPG5 protein function with a negative predictive value of 80%. In summary, the available evidence is currently insufficient to determine the role of this variant in disease. Therefore, it has been classified as a Variant of Uncertain Significance.